The following is an entry in ClinVar:

NM_002637.4(PHKA1):c.710A>G (p.His237Arg)

Gene: PHKA1 (phosphorylase kinase regulatory subunit alpha 1; minus strand). Cytogenetic location: Xq13.1.
Variant type: single nucleotide variant.
Coding change: c.710A>G on transcript NM_002637.4 (MANE Select); coding-DNA position 710, A replaced by G.
Protein change: p.His237Arg; replaces histidine 237 with arginine.
Molecular consequence: missense variant.
Genome position (GRCh38, 1-based): chrX:72,667,382, T>C on the plus strand (A>G on the coding strand, the complement: PHKA1 is on the minus strand). VCF-style: chrX-72667382-T-C. GRCh37 (hg19) VCF-style: chrX-71887232-T-C.
Other names: c.710A>G, p.His237Arg (NM_001122670.2, NM_001172436.2, NM_001431068.1); short protein forms H237R.
Identifiers: ClinVar variation 3771941 (VCV003771941.13).

ClinVar aggregate classification (germline): Uncertain significance (1 of 4 stars; one submission).

Submission:

CeGaT Center for Human Genetics Tuebingen
Classification: Uncertain significance. Last evaluated: 2024-06-01. Review status: criteria provided, single submitter. Criteria: CeGaT Center For Human Genetics Tuebingen Variant Classification Criteria Version 2. Collection method: clinical testing. Allele origin: germline. Affected: yes. Observed: 1 variant allele.
Comment: PHKA1: PM2, PP3